The following is an entry in ClinVar:

NM_017668.3(NDE1):c.701G>A (p.Arg234His)

Gene: NDE1 (nudE neurodevelopment protein 1; plus strand). Cytogenetic location: 16p13.11.
Variant type: single nucleotide variant.
Coding change: c.701G>A on transcript NM_017668.3 (MANE Select); coding-DNA position 701, G replaced by A.
Protein change: p.Arg234His; replaces arginine 234 with histidine.
Molecular consequence: missense variant.
Genome position (GRCh38, 1-based): chr16:15,691,321, G>A. VCF-style: chr16-15691321-G-A. GRCh37 (hg19) VCF-style: chr16-15785178-G-A.
Other names: c.701G>A, p.Arg234His (NM_001143979.2); short protein forms R234H.
Identifiers: ClinVar variation 435935 (VCV000435935.24), dbSNP rs138255766, ClinGen allele CA7920752.

ClinVar aggregate classification (germline): Uncertain significance. Review status: criteria provided, multiple submitters, no conflicts (2 of 4 stars). 8 submissions from 8 submitters: Uncertain significance (7). 1 of the submissions does not count toward it. Last evaluated 2025-06-04.

Conditions:
NDE1-related microhydranencephaly (MHAC). Also called: HYDRANENCEPHALY AND MICROCEPHALY. Identifiers: Orphanet 443162, MedGen C1857977, MONDO:0011504, OMIM 605013.
Lissencephaly 4 (LIS4). Also called: Lissencephaly 4 (with microcephaly). Identifiers: Orphanet 1083, MedGen C3151461, MONDO:0013527, OMIM 614019.
NDE1-related disorder. Also called: NDE1-related condition; NDE1-Related Disorders.

Allele frequency attached by ClinVar (database versions not stated): 1000 Genomes Project 30x 0.00031; ESP Exome Variant Server 0.00031; TOPMed 0.00032; 1000 Genomes Project 0.00040.

Submissions (8):

Labcorp Genetics (formerly Invitae), Labcorp
Classification: Uncertain significance. Last evaluated: 2025-06-04. Review status: criteria provided, single submitter. Criteria: Invitae Variant Classification Sherloc (09022015). Collection method: clinical testing. Allele origin: germline.
Comment: This sequence change replaces arginine, which is basic and polar, with histidine, which is basic and polar, at codon 234 of the NDE1 protein (p.Arg234His). This variant is present in population databases (rs138255766, gnomAD 0.04%). This variant has not been reported in the literature in individuals affected with NDE1-related conditions. ClinVar contains an entry for this variant (Variation ID: 435935). An algorithm developed to predict the effect of missense changes on protein structure and function outputs the following: PolyPhen-2: "Benign". The histidine amino acid residue is found in multiple mammalian species, which suggests that this missense change does not adversely affect protein function. In summary, the available evidence is currently insufficient to determine the role of this variant in disease. Therefore, it has been classified as a Variant of Uncertain Significance.

Blueprint Genetics
Classification: Uncertain significance. Last evaluated: 2024-07-22. Review status: criteria provided, single submitter. Criteria: ACMG Guidelines, 2015. Collection method: clinical testing. Allele origin: germline.

GeneDx
Classification: Uncertain significance. Last evaluated: 2022-03-15. Review status: criteria provided, single submitter. Criteria: GeneDx Variant Classification Process June 2021. Collection method: clinical testing. Allele origin: germline. Affected: yes.
Comment: In silico analysis supports that this missense variant does not alter protein structure/function; Has not been previously published as pathogenic or benign to our knowledge

Fulgent Genetics
Classification: Uncertain significance for NDE1-related microhydranencephaly; Lissencephaly 4. Last evaluated: 2018-10-31. Review status: criteria provided, single submitter. Criteria: ACMG Guidelines, 2015. Collection method: clinical testing. Allele origin: unknown.

Genetic Services Laboratory, University of Chicago
Classification: Uncertain significance. Last evaluated: 2017-05-03. Review status: criteria provided, single submitter. Criteria: ACMG Guidelines, 2015. Collection method: clinical testing. Allele origin: germline. Affected: no.

Illumina Laboratory Services, Illumina
Classification: Uncertain significance for Lissencephaly 4. Last evaluated: 2017-04-27. Review status: criteria provided, single submitter. Criteria: ICSL Variant Classification Criteria 13 December 2019. Collection method: clinical testing. Allele origin: germline.

Eurofins Ntd Llc (ga)
Classification: Uncertain significance. Last evaluated: 2016-12-27. Review status: criteria provided, single submitter. Criteria: EGL Classification Definitions 2015. Collection method: clinical testing. Allele origin: germline. Observed: 1 variant allele, 1 heterozygote.

PreventionGenetics, part of Exact Sciences
Classification: Likely benign for NDE1-related condition. Last evaluated: 2023-09-15. Review status: no assertion criteria provided. Collection method: clinical testing. Allele origin: germline. Not counted in ClinVar's aggregate classification.
Comment: This variant is classified as likely benign based on ACMG/AMP sequence variant interpretation guidelines (Richards et al. 2015 PMID: 25741868, with internal and published modifications).